The following is an entry in ClinVar:

ClinVar aggregate classification (germline): Uncertain significance. Review status: criteria provided, multiple submitters, no conflicts (2 of 4 stars). 2 submissions from 2 submitters: Uncertain significance (2). Last evaluated 2024-08-19.

Conditions:
Familial thoracic aortic aneurysm and aortic dissection (TAAD). Also called: Thoracic aortic aneurysms and dissections. Identifiers: Orphanet 91387, MedGen C4707243, MONDO:0019625.
Shprintzen-Goldberg syndrome (SGS). Also called: Marfanoid disorder with craniosynostosis type 1; Marfanoid craniosynostosis syndrome; Shprintzen-Goldberg marfanoid syndrome; SHPRINTZEN-GOLDBERG CRANIOSYNOSTOSIS SYNDROME; CRANIOSYNOSTOSIS WITH ARACHNODACTYLY AND ABDOMINAL HERNIAS. Identifiers: Orphanet 2462, MedGen C1321551, MONDO:0008426, OMIM 182212.

Allele frequency attached by ClinVar (database versions not stated): gnomAD exomes below 0.00001; TOPMed below 0.00001; gnomAD 0.00001.
gnomAD v4.1: 5 of 1,398,714 alleles (0.00036%); highest among the groups gnomAD compares: Non-Finnish European, 0.00046%; no homozygotes.

Submissions (2):

Ambry Genetics
Classification: Uncertain significance for Familial thoracic aortic aneurysm and aortic dissection. Last evaluated: 2024-08-19. Review status: criteria provided, single submitter. Criteria: Ambry Variant Classification Scheme 2023. Collection method: clinical testing. Allele origin: germline.
Comment: The p.A62S variant (also known as c.184G>T), located in coding exon 1 of the SKI gene, results from a G to T substitution at nucleotide position 184. The alanine at codon 62 is replaced by serine, an amino acid with similar properties. This amino acid position is conserved. In addition, the in silico prediction for this alteration is inconclusive. Based on the available evidence, the clinical significance of this variant remains unclear.

Labcorp Genetics (formerly Invitae), Labcorp
Classification: Uncertain significance for Shprintzen-Goldberg syndrome. Last evaluated: 2023-05-20. Review status: criteria provided, single submitter. Criteria: Invitae Variant Classification Sherloc (09022015). Collection method: clinical testing. Allele origin: germline.
Comment: This sequence change replaces alanine, which is neutral and non-polar, with serine, which is neutral and polar, at codon 62 of the SKI protein (p.Ala62Ser). In summary, the available evidence is currently insufficient to determine the role of this variant in disease. Therefore, it has been classified as a Variant of Uncertain Significance. This variant is not present in population databases (gnomAD no frequency). This variant has not been reported in the literature in individuals affected with SKI-related conditions. Advanced modeling of protein sequence and biophysical properties (such as structural, functional, and spatial information, amino acid conservation, physicochemical variation, residue mobility, and thermodynamic stability) has been performed at Invitae for this missense variant, however the output from this modeling did not meet the statistical confidence thresholds required to predict the impact of this variant on SKI protein function.

NM_003036.4(SKI):c.184G>T (p.Ala62Ser)

Gene: SKI (SKI proto-oncogene; plus strand). Cytogenetic location: 1p36.33.
Variant type: single nucleotide variant.
Coding change: c.184G>T on transcript NM_003036.4 (MANE Select); coding-DNA position 184, G replaced by T.
Protein change: p.Ala62Ser; replaces alanine 62 with serine.
Molecular consequence: missense variant.
Genome position (GRCh38, 1-based): chr1:2,228,950, G>T. VCF-style: chr1-2228950-G-T. GRCh37 (hg19) VCF-style: chr1-2160389-G-T.
Other names: c.184G>T (NM_003036.3); short protein forms A62S.
Identifiers: ClinVar variation 2787530 (VCV002787530.4), dbSNP rs1440479467, ClinGen allele CA337952270.
Genomic context (GRCh38, chr1:2,228,950, plus strand): 5'-TGGGCGCAGGAGGCCTACAAGAAGGAGAGCGCCAAGGAGGCGGGCGCGGCCGCGGTGCCG[G>T]CGCCGGTGCCCGCAGCCACCGAGCCGCCGCCCGTGCTGCACCTGCCCGCCATCCAGCCGC-3'
Protein context (NP_003027.1, residues 52-72): AKEAGAAAVP[Ala62Ser]PVPAATEPPP